The following is an entry in ClinVar:

ClinVar aggregate classification (germline): Conflicting classifications of pathogenicity. Review status: criteria provided, conflicting classifications (1 of 4 stars). 3 submissions from 3 submitters: Uncertain significance (1); Likely benign (2). Last evaluated 2025-03-13.

Conditions:
ABCC2-related disorder. Also called: ABCC2-related condition.

Allele frequency attached by ClinVar (database versions not stated): TOPMed 0.00003.
gnomAD v4.1: 21 of 1,613,878 alleles (0.0013%); highest among the groups gnomAD compares: Non-Finnish European, 0.0017%; 1 homozygote.

Submissions (3):

Labcorp Genetics (formerly Invitae), Labcorp
Classification: Likely benign. Last evaluated: 2025-03-13. Review status: criteria provided, single submitter. Criteria: Invitae Variant Classification Sherloc (09022015). Collection method: clinical testing. Allele origin: germline.

PreventionGenetics, part of Exact Sciences
Classification: Likely benign for ABCC2-related condition. Last evaluated: 2025-03-09. Review status: criteria provided, single submitter. Criteria: ACMG Guidelines, 2015. Collection method: clinical testing. Allele origin: germline.
Comment: This variant is classified as likely benign based on ACMG/AMP sequence variant interpretation guidelines (Richards et al. 2015 PMID: 25741868, with internal and published modifications).

Eurofins Ntd Llc (ga)
Classification: Uncertain significance. Last evaluated: 2017-10-04. Review status: criteria provided, single submitter. Criteria: EGL Classification Definitions 2015. Collection method: clinical testing. Allele origin: germline. Observed: 1 variant allele, 1 heterozygote.

NM_000392.5(ABCC2):c.601C>T (p.Leu201=)

Gene: ABCC2 (ATP binding cassette subfamily C member 2; plus strand). Cytogenetic location: 10q24.2.
Variant type: single nucleotide variant.
Coding change: c.601C>T on transcript NM_000392.5 (MANE Select); coding-DNA position 601, C replaced by T.
Protein change: p.Leu201=; no amino-acid change (leucine 201 retained).
Molecular consequence: synonymous variant.
Genome position (GRCh38, 1-based): chr10:99,794,437, C>T. VCF-style: chr10-99794437-C-T. GRCh37 (hg19) VCF-style: chr10-101554194-C-T.
Other names: c.601C>T (NM_000392.4); c.601C>T, p.Leu201= (LRG_1208t1).
Identifiers: ClinVar variation 594380 (VCV000594380.9), dbSNP rs749655460, ClinGen allele CA212830917.
Genomic context (GRCh38, chr10:99,794,437, plus strand): 5'-AATTGGTTTACATTTCGATTTTTTTGTGTCTTTCAGAATCCATCATCCATAGCTTCATTC[C>T]TGAGTAGCATTACCTACAGCTGGTATGACAGGTAGGAAAGCCTGGAGTATGGATTGGCTG-3'
Protein context (NP_000383.2, residues 191-211): SNNPSSIASF[Leu201=]SSITYSWYDS